The following is an entry in ClinVar:

ClinVar aggregate classification (germline): Uncertain significance (1 of 4 stars; one submission).

Conditions:
Familial encephalopathy with neuroserpin inclusion bodies. Also called: ENCEPHALOPATHY, FAMILIAL, WITH COLLINS BODIES. Identifiers: Orphanet 85110, MedGen C1858680, MONDO:0011412, OMIM 604218.

Allele frequency attached by ClinVar (database versions not stated): gnomAD 0.00001.

Submission:

Labcorp Genetics (formerly Invitae), Labcorp
Classification: Uncertain significance for Familial encephalopathy with neuroserpin inclusion bodies. Last evaluated: 2022-03-28. Review status: criteria provided, single submitter. Criteria: Invitae Variant Classification Sherloc (09022015). Collection method: clinical testing. Allele origin: germline.
Comment: In summary, the available evidence is currently insufficient to determine the role of this variant in disease. Therefore, it has been classified as a Variant of Uncertain Significance. Algorithms developed to predict the effect of sequence changes on RNA splicing suggest that this variant may create or strengthen a splice site. Advanced modeling of protein sequence and biophysical properties (such as structural, functional, and spatial information, amino acid conservation, physicochemical variation, residue mobility, and thermodynamic stability) performed at Invitae indicates that this missense variant is not expected to disrupt SERPINI1 protein function. This variant has not been reported in the literature in individuals affected with SERPINI1-related conditions. This variant is not present in population databases (gnomAD no frequency). This sequence change replaces glycine, which is neutral and non-polar, with valine, which is neutral and non-polar, at codon 5 of the SERPINI1 protein (p.Gly5Val).

NM_001122752.2(SERPINI1):c.14G>T (p.Gly5Val)

Gene: SERPINI1 (serpin family I member 1; plus strand). Cytogenetic location: 3q26.1.
Variant type: single nucleotide variant.
Coding change: c.14G>T on transcript NM_001122752.2 (MANE Select); coding-DNA position 14, G replaced by T.
Protein change: p.Gly5Val; replaces glycine 5 with valine.
Molecular consequence: missense variant.
Genome position (GRCh38, 1-based): chr3:167,789,142, G>T. VCF-style: chr3-167789142-G-T. GRCh37 (hg19) VCF-style: chr3-167506930-G-T.
Other names: c.14G>T, p.Gly5Val (NM_005025.5); short protein forms G5V.
Identifiers: ClinVar variation 2119093 (VCV002119093.4), dbSNP rs1727409924, ClinGen allele CA355155365.